The following is an entry in ClinVar:

ClinVar aggregate classification (germline): Uncertain significance. Review status: criteria provided, multiple submitters, no conflicts (2 of 4 stars). 3 submissions from 3 submitters: Uncertain significance (3). Last evaluated 2025-03-06.

Conditions:
Drash syndrome (DDS). Also called: WILMS TUMOR AND PSEUDO- OR TRUE HERMAPHRODITISM; NEPHROPATHY, WILMS TUMOR, AND GENITAL ANOMALIES. Identifiers: Orphanet 220, MedGen C0950121, MONDO:0008682, OMIM 194080.
Wilms tumor 1 (WT1). Also called: Wilms tumor, somatic. Identifiers: Orphanet 654, MedGen CN033288, MONDO:0008679, OMIM 194070.
11p partial monosomy syndrome (WAGR). Also called: WAGR Complex; WAGR syndrome; WAGR Spectrum Disorder; CHROMOSOME 11p13 DELETION SYNDROME. Identifiers: Orphanet 893, MedGen C0206115, MONDO:0008681, OMIM 194072.
Frasier syndrome. Identifiers: Orphanet 347, MedGen C0950122, MeSH D052159, MONDO:0007635, OMIM 136680.
Inborn genetic diseases. Identifiers: MedGen C0950123, MeSH D030342.

Allele frequency attached by ClinVar (database versions not stated): ExAC 0.00001; 1000 Genomes Project 30x 0.00016; gnomAD 0.00001; TOPMed 0.00001; gnomAD exomes below 0.00001; 1000 Genomes Project 0.00020.
gnomAD v4.1: 3 of 1,614,158 alleles (0.00019%); highest among the groups gnomAD compares: African/African-American, 0.004%; no homozygotes.

Submissions (3):

Ambry Genetics
Classification: Uncertain significance for Inborn genetic diseases. Last evaluated: 2025-03-06. Review status: criteria provided, single submitter. Criteria: Ambry Variant Classification Scheme 2023. Collection method: clinical testing. Allele origin: germline.
Comment: The p.Q457L variant (also known as c.1370A>T), located in coding exon 9 of the WT1 gene, results from an A to T substitution at nucleotide position 1370. The glutamine at codon 457 is replaced by leucine, an amino acid with dissimilar properties. This amino acid position is conserved. In addition, this alteration is predicted to be tolerated by in silico analysis. Based on the available evidence, the clinical significance of this variant remains unclear.

All of Us Research Program, National Institutes of Health
Classification: Uncertain significance for Wilms tumor 1. Last evaluated: 2023-12-13. Review status: criteria provided, single submitter. Criteria: ACMG Guidelines, 2015. Collection method: clinical testing. Allele origin: germline. Inheritance: Autosomal dominant inheritance. Observed: 1 variant allele, 1 heterozygote.
Comment: This missense variant replaces glutamine with leucine at codon 457 of the WT1 protein. Computational prediction suggests that this variant may not impact protein structure and function. To our knowledge, functional studies have not been reported for this variant. This variant has not been reported in individuals affected with WT1-related disorders in the literature. This variant has been identified in 1/251474 chromosomes in the general population by the Genome Aggregation Database (gnomAD). The available evidence is insufficient to determine the role of this variant in disease conclusively. Therefore, this variant is classified as a Variant of Uncertain Significance.

This study involves interpretation of variants in research participants for the purpose of population health screening. Participant phenotype was not available at the time of variant classification. Additional details can be found in publication PMID: 35346344, PMCID: PMC8962531

Labcorp Genetics (formerly Invitae), Labcorp
Classification: Uncertain significance for Wilms tumor 1; Drash syndrome; 11p partial monosomy syndrome; Frasier syndrome. Last evaluated: 2023-10-05. Review status: criteria provided, single submitter. Criteria: Invitae Variant Classification Sherloc (09022015). Collection method: clinical testing. Allele origin: germline.
Comment: This sequence change replaces glutamine, which is neutral and polar, with leucine, which is neutral and non-polar, at codon 457 of the WT1 protein (p.Gln457Leu). This variant is present in population databases (rs533043871, gnomAD 0.007%). This variant has not been reported in the literature in individuals affected with WT1-related conditions. ClinVar contains an entry for this variant (Variation ID: 655562). Advanced modeling of protein sequence and biophysical properties (such as structural, functional, and spatial information, amino acid conservation, physicochemical variation, residue mobility, and thermodynamic stability) has been performed at Invitae for this missense variant, however the output from this modeling did not meet the statistical confidence thresholds required to predict the impact of this variant on WT1 protein function. In summary, the available evidence is currently insufficient to determine the role of this variant in disease. Therefore, it has been classified as a Variant of Uncertain Significance.

NM_024426.6(WT1):c.1385A>T (p.Gln462Leu)

Gene: WT1 (WT1 transcription factor; minus strand). Cytogenetic location: 11p13.
Variant type: single nucleotide variant.
Coding change: c.1385A>T on transcript NM_024426.6 (MANE Select); coding-DNA position 1385, A replaced by T.
Protein change: p.Gln462Leu; replaces glutamine 462 with leucine.
Molecular consequence: missense variant. On other transcripts: non-coding transcript variant (1).
Genome position (GRCh38, 1-based): chr11:32,392,034, T>A on the plus strand (A>T on the coding strand, the complement: WT1 is on the minus strand). VCF-style: chr11-32392034-T-A. GRCh37 (hg19) VCF-style: chr11-32413580-T-A.
Other names: c.1334A>T, p.Gln445Leu (NM_000378.6, NM_001407045.1); c.734A>T, p.Gln245Leu (NM_001198551.2); c.683A>T, p.Gln228Leu (NM_001198552.2); c.197A>T, p.Gln66Leu (NM_001367854.1); c.1379A>T, p.Gln460Leu (NM_001407044.1); c.1262A>T, p.Gln421Leu (NM_001407047.1); c.1244A>T, p.Gln415Leu (NM_001407048.1); c.1211A>T, p.Gln404Leu (NM_001407050.1); and 3 more; short protein forms Q245L, Q462L, Q445L, Q228L, Q66L, Q404L, Q421L, Q440L.
Identifiers: ClinVar variation 655562 (VCV000655562.12), dbSNP rs533043871, ClinGen allele CA064525.